The following is an entry in ClinVar:

NM_001358921.2(COQ2):c.62_78del (p.Leu21fs)

Genes: COQ2 (coenzyme Q2, polyprenyltransferase; minus strand), LOC112997540 (Sharpr-MPRA regulatory region 13773; plus strand). Cytogenetic location: 4q21.23.
Variant type: Deletion.
Coding change: c.62_78del on transcript NM_001358921.2 (MANE Select); coding-DNA positions 62 to 78, 17 bases deleted (TGCCGGGCTGGCGGGGC).
Protein change: p.Leu21fs; shifts the reading frame from leucine 21.
Molecular consequence: frameshift variant.
Genome position (GRCh38, 1-based): chr4:83,284,687-83,284,703, GCCCCGCCAGCCCGGCA deleted on the plus strand (TGCCGGGCTGGCGGGGC on the coding strand, the reverse complement: COQ2 is on the minus strand); deleting any 17 consecutive bases within chr4:83,284,687-83,284,706 gives the same sequence; the c. name uses the placement nearest the transcript's 3' end. VCF-style (leftmost placement, unchanged base first): chr4-83284686-GGCCCCGCCAGCCCGGCA-G. GRCh37 (hg19) VCF-style: chr4-84205839-GGCCCCGCCAGCCCGGCA-G.
Other names: c.212_228del, p.Leu71fs (NM_015697.9); short protein forms L21fs, L71fs.
Identifiers: ClinVar variation 5006800 (VCV005006800.2).

ClinVar aggregate classification (germline): Likely pathogenic (1 of 4 stars; one submission).

Conditions:
Multiple system atrophy 1, susceptibility to. Also called: MSA1, SUSCEPTIBILITY TO. Identifiers: MedGen C3714927, MONDO:0020715, OMIM 146500.
Coenzyme Q10 deficiency, primary, 1. Also called: UBIQUINONE DEFICIENCY 1; COENZYME Q DEFICIENCY 1; CoQ DEFICIENCY 1. Identifiers: Orphanet 255249, MedGen C3551954, MONDO:0011829, OMIM 607426.

Submission:

Juno Genomics, Hangzhou Juno Genomics, Inc
Classification: Likely pathogenic for Multiple system atrophy 1, susceptibility to; Coenzyme Q10 deficiency, primary, 1. Review status: criteria provided, single submitter. Criteria: ACMG Guidelines, 2015. Collection method: clinical testing. Allele origin: germline.
Comment: Null variant in a gene where loss of function (LOF) is a known mechanism of disease.;Absent from controls (or at extremely low frequency if recessive) in Genome Aggregation Database.